The following is an entry in ClinVar:

NM_025114.4(CEP290):c.297+1del

Gene: CEP290 (centrosomal protein 290; minus strand). Cytogenetic location: 12q21.32.
Variant type: Deletion.
Coding change: c.297+1del on transcript NM_025114.4 (MANE Select); the canonical splice donor site of the intron after coding-DNA position 297, one base deleted (G; older notation c.297+1delG).
Molecular consequence: splice donor variant.
Genome position (GRCh38, 1-based): chr12:88,139,144, C deleted on the plus strand (G on the coding strand, the reverse complement: CEP290 is on the minus strand); the first of 2 consecutive C bases (chr12:88,139,144-88,139,145); deleting either gives the same sequence. VCF-style (leftmost placement, unchanged base first): chr12-88139143-AC-A. GRCh37 (hg19) VCF-style: chr12-88532920-AC-A.
Identifiers: ClinVar variation 1458054 (VCV001458054.6), dbSNP rs2138257533, ClinGen allele CA2573149037.

ClinVar aggregate classification (germline): Pathogenic (1 of 4 stars; one submission).

Conditions:
Nephronophthisis. Also called: Juvenile Nephronophthisis. Identifiers: Orphanet 655, MedGen C0687120, MONDO:0019005, HP:0000090.
Meckel-Gruber syndrome. Also called: DYSENCEPHALIA SPLANCHNOCYSTICA; GRUBER SYNDROME; Dysencephalia splachnocystica. Identifiers: Orphanet 564, MedGen C0265215, MONDO:0018921.
Joubert syndrome. Also called: CEREBELLOPARENCHYMAL DISORDER IV; JOUBERT-BOLTSHAUSER SYNDROME; Familial aplasia of the vermis. Identifiers: Orphanet 475, MedGen C5979921, MONDO:0018772.

Submission:

Labcorp Genetics (formerly Invitae), Labcorp
Classification: Pathogenic for Joubert syndrome; Meckel-Gruber syndrome; Nephronophthisis. Last evaluated: 2022-01-19. Review status: criteria provided, single submitter. Criteria: Invitae Variant Classification Sherloc (09022015). Collection method: clinical testing. Allele origin: germline.
Comment: This variant has not been reported in the literature in individuals affected with CEP290-related conditions. This sequence change creates a premature translational stop signal (p.Met100Trpfs*25) in the CEP290 gene. It is expected to result in an absent or disrupted protein product. Loss-of-function variants in CEP290 are known to be pathogenic (PMID: 16909394, 17345604, 20690115). This variant is not present in population databases (gnomAD no frequency). This variant is also known as c.297+1del. Variants that disrupt the consensus splice site are a relatively common cause of aberrant splicing (PMID: 17576681, 9536098). Algorithms developed to predict the effect of sequence changes on RNA splicing suggest that this variant may create or strengthen a splice site. For these reasons, this variant has been classified as Pathogenic.

Literature cited by the submitters: PubMed 16909394; PubMed 17345604; PubMed 20690115; PubMed 17576681; PubMed 9536098.